The following is an entry in ClinVar:

NM_003998.4(NFKB1):c.2773G>A (p.Val925Ile)

Gene: NFKB1 (nuclear factor kappa B subunit 1; plus strand). Cytogenetic location: 4q24.
Variant type: single nucleotide variant.
Coding change: c.2773G>A on transcript NM_003998.4 (MANE Select); coding-DNA position 2773, G replaced by A.
Protein change: p.Val925Ile; replaces valine 925 with isoleucine.
Molecular consequence: missense variant.
Genome position (GRCh38, 1-based): chr4:102,616,457, G>A. VCF-style: chr4-102616457-G-A. GRCh37 (hg19) VCF-style: chr4-103537614-G-A.
Other names: c.2770G>A, p.Val924Ile (NM_001165412.2, NM_001319226.2, NM_001382627.1); c.2773G>A, p.Val925Ile (NM_001382625.1, NM_001382626.1); c.2731G>A, p.Val911Ile (NM_001382628.1); short protein forms V924I, V911I, V925I.
Identifiers: ClinVar variation 1382292 (VCV001382292.6), dbSNP rs2149237468, ClinGen allele CA357755723.

ClinVar aggregate classification (germline): Uncertain significance (1 of 4 stars; one submission).

gnomAD v4.1: 2 of 1,614,132 alleles (0.00012%); highest among the groups gnomAD compares: Admixed American, 0.0033%; no homozygotes.

Submission:

Labcorp Genetics (formerly Invitae), Labcorp
Classification: Uncertain significance. Last evaluated: 2024-10-20. Review status: criteria provided, single submitter. Criteria: Invitae Variant Classification Sherloc (09022015). Collection method: clinical testing. Allele origin: germline.
Comment: This sequence change replaces valine, which is neutral and non-polar, with isoleucine, which is neutral and non-polar, at codon 925 of the NFKB1 protein (p.Val925Ile). This variant is not present in population databases (gnomAD no frequency). This variant has not been reported in the literature in individuals affected with NFKB1-related conditions. ClinVar contains an entry for this variant (Variation ID: 1382292). An algorithm developed to predict the effect of missense changes on protein structure and function outputs the following: PolyPhen-2: "Benign". The isoleucine amino acid residue is found in multiple mammalian species, which suggests that this missense change does not adversely affect protein function. In summary, the available evidence is currently insufficient to determine the role of this variant in disease. Therefore, it has been classified as a Variant of Uncertain Significance.